The following is an entry in ClinVar:

ClinVar aggregate classification (germline): Uncertain significance (1 of 4 stars; one submission).

Conditions:
Hereditary cancer-predisposing syndrome. Also called: Hereditary Cancer Syndrome; Hereditary neoplastic syndrome; Neoplastic Syndromes, Hereditary; Tumor predisposition. Identifiers: Orphanet 140162, MedGen C0027672, MeSH D009386, MONDO:0015356.

Allele frequency attached by ClinVar (database versions not stated): gnomAD exomes below 0.00001.
gnomAD v4.1: 1 of 1,614,170 alleles (0.000062%); highest among the groups gnomAD compares: South Asian, 0.0011%; no homozygotes.

Submission:

Ambry Genetics
Classification: Uncertain significance for Hereditary cancer-predisposing syndrome. Last evaluated: 2025-08-09. Review status: criteria provided, single submitter. Criteria: Ambry Variant Classification Scheme 2023. Collection method: clinical testing. Allele origin: germline.
Comment: The p.V184I variant (also known as c.550G>A), located in coding exon 3 of the XRCC2 gene, results from a G to A substitution at nucleotide position 550. The valine at codon 184 is replaced by isoleucine, an amino acid with highly similar properties. This amino acid position is conserved. In addition, this alteration is predicted to be tolerated by in silico analysis. Since supporting evidence is limited at this time, the clinical significance of this alteration remains unclear.

NM_005431.2(XRCC2):c.550G>A (p.Val184Ile)

Gene: XRCC2 (X-ray repair cross complementing 2; minus strand). Cytogenetic location: 7q36.1.
Variant type: single nucleotide variant.
Coding change: c.550G>A on transcript NM_005431.2 (MANE Select); coding-DNA position 550, G replaced by A.
Protein change: p.Val184Ile; replaces valine 184 with isoleucine.
Molecular consequence: missense variant.
Genome position (GRCh38, 1-based): chr7:152,648,935, C>T on the plus strand (G>A on the coding strand, the complement: XRCC2 is on the minus strand). VCF-style: chr7-152648935-C-T. GRCh37 (hg19) VCF-style: chr7-152346020-C-T.
Other names: short protein forms V184I.
Identifiers: ClinVar variation 1748022 (VCV001748022.3), dbSNP rs2098027293, ClinGen allele CA370198450.